The following is an entry in ClinVar:

NM_001009944.3(PKD1):c.7489+12C>T

Gene: PKD1 (polycystin 1, transient receptor potential channel interacting; minus strand). Cytogenetic location: 16p13.3.
Variant type: single nucleotide variant.
Coding change: c.7489+12C>T on transcript NM_001009944.3 (MANE Select); 12 bases into the intron after coding-DNA position 7489, C replaced by T.
Molecular consequence: intron variant.
Genome position (GRCh38, 1-based): chr16:2,106,386, G>A on the plus strand (C>T on the coding strand, the complement: PKD1 is on the minus strand). VCF-style: chr16-2106386-G-A. GRCh37 (hg19) VCF-style: chr16-2156387-G-A.
Other names: c.7489+12C>T (NM_000296.4).
Identifiers: ClinVar variation 3579267 (VCV003579267.2).

ClinVar aggregate classification (germline): Uncertain significance. Review status: criteria provided, multiple submitters, no conflicts (2 of 4 stars). 2 submissions from 2 submitters: Uncertain significance (2). Last evaluated 2026-05-08.

Conditions:
Polycystic kidney disease, adult type (PKD1). Also called: Polycystic Kidney, Autosomal Dominant; POLYCYSTIC KIDNEY DISEASE, ADULT, TYPE I; Polycystic Kidney Disease 1, Autosomal Dominant; Polycystic kidney disease 1; Polycystic kidney disease 1, severe; POLYCYSTIC KIDNEY DISEASE 1 WITH OR WITHOUT POLYCYSTIC LIVER DISEASE. Identifiers: MedGen C3149841, MONDO:0008263, OMIM 173900.

gnomAD v4.1: 16 of 1,592,600 alleles (0.001%); highest among the groups gnomAD compares: African/African-American, 0.011%; no homozygotes.

Submissions (2):

Women's Health and Genetics/Laboratory Corporation of America, LabCorp
Classification: Uncertain significance. Last evaluated: 2026-05-08. Review status: criteria provided, single submitter. Criteria: LabCorp Variant Classification Summary - May 2015. Collection method: clinical testing. Allele origin: germline.
Comment: Variant summary: PKD1 c.7489+12C>T alters a non-conserved nucleotide located at a position not widely known to affect splicing. Several computational tools predict a significant impact on normal splicing: Four predict the variant creates a cryptic 5' donor site and one predicts no significant impact on splicing. However, these predictions have yet to be confirmed by functional studies. The variant allele was found at a frequency of 1.5e-05 in 198600 control chromosomes. The available data on variant occurrences in the general population are insufficient to allow any conclusion about variant significance. To our knowledge, no occurrence of c.7489+12C>T in individuals affected with PKD1-related conditions and no experimental evidence demonstrating its impact on protein function have been reported. ClinVar contains an entry for this variant (Variation ID: 3579267). Based on the evidence outlined above, the variant was classified as uncertain significance.

Fulgent Genetics
Classification: Uncertain significance for Polycystic kidney disease, adult type. Last evaluated: 2024-01-05. Review status: criteria provided, single submitter. Criteria: ACMG Guidelines, 2015. Collection method: clinical testing. Allele origin: germline.